The following is an entry in ClinVar:

ClinVar aggregate classification (germline): Conflicting classifications of pathogenicity. Review status: criteria provided, conflicting classifications (1 of 4 stars). 3 submissions from 3 submitters: Uncertain significance (1); Likely benign (2). Last evaluated 2024-12-02.

Conditions:
Hereditary breast ovarian cancer syndrome. Also called: Hereditary breast and/or ovarian cancer syndrome; Hereditary breast and ovarian cancer syndrome; Breast and ovarian cancer; Hereditary breast and ovarian cancer; BRCA1- and BRCA2-Associated Hereditary Breast and Ovarian Cancer; Hereditary breast and ovarian cancer syndrome (HBOC). Identifiers: Orphanet 145, MedGen C0677776, MeSH D061325, MONDO:0003582. Disease mechanism: loss of function.
Breast-ovarian cancer, familial, susceptibility to, 2 (BROVCA2). Also called: BRCA2 Hereditary Breast and Ovarian Cancer. Identifiers: Orphanet 145, MedGen C2675520, MONDO:0012933, OMIM 612555. Disease mechanism: loss of function.
Hereditary cancer-predisposing syndrome. Also called: Tumor predisposition; Hereditary Cancer Syndrome; Hereditary neoplastic syndrome; Neoplastic Syndromes, Hereditary. Identifiers: Orphanet 140162, MedGen C0027672, MeSH D009386, MONDO:0015356.

Allele frequency attached by ClinVar (database versions not stated): gnomAD exomes below 0.00001; ExAC 0.00001.
gnomAD v4.1: 1 of 1,607,016 alleles (0.000062%); highest among the groups gnomAD compares: Non-Finnish European, 0.000085%; no homozygotes.

Submissions (3):

Molecular Pathology, Peter Maccallum Cancer Centre
Classification: Likely benign for Breast-ovarian cancer, familial, susceptibility to, 2. Last evaluated: 2024-12-02. Review status: criteria provided, single submitter. Criteria: ACMG Guidelines, 2015. Collection method: clinical testing. Allele origin: germline. Inheritance: Autosomal dominant inheritance.

University of Washington Department of Laboratory Medicine, University of Washington
Classification: Likely benign for Hereditary cancer-predisposing syndrome. Last evaluated: 2023-03-23. Review status: criteria provided, single submitter. Criteria: Dines et al. (Genet Med. 2020). Collection method: curation. Allele origin: germline.
Comment: Missense variant in a coldspot region where missense variants are very unlikely to be pathogenic (PMID:31911673).

BRCA2 exon 11 coldspot. Reclassification based on statistical prior probability.

Labcorp Genetics (formerly Invitae), Labcorp
Classification: Uncertain significance for Hereditary breast ovarian cancer syndrome. Last evaluated: 2022-01-03. Review status: criteria provided, single submitter. Criteria: Invitae Variant Classification Sherloc (09022015). Collection method: clinical testing. Allele origin: germline.
Comment: In summary, the available evidence is currently insufficient to determine the role of this variant in disease. Therefore, it has been classified as a Variant of Uncertain Significance. Advanced modeling of protein sequence and biophysical properties (such as structural, functional, and spatial information, amino acid conservation, physicochemical variation, residue mobility, and thermodynamic stability) performed at Invitae indicates that this missense variant is not expected to disrupt BRCA2 protein function. This variant has not been reported in the literature in individuals affected with BRCA2-related conditions. This variant is present in population databases (rs770539957, gnomAD 0.0009%). This sequence change replaces glutamine, which is neutral and polar, with arginine, which is basic and polar, at codon 2100 of the BRCA2 protein (p.Gln2100Arg).

NM_000059.4(BRCA2):c.6299A>G (p.Gln2100Arg)

Gene: BRCA2 (BRCA2 DNA repair associated; plus strand). Cytogenetic location: 13q13.1.
Variant type: single nucleotide variant.
Coding change: c.6299A>G on transcript NM_000059.4 (MANE Select); coding-DNA position 6299, A replaced by G.
Protein change: p.Gln2100Arg; replaces glutamine 2100 with arginine.
Molecular consequence: missense variant.
Genome position (GRCh38, 1-based): chr13:32,340,654, A>G. VCF-style: chr13-32340654-A-G. GRCh37 (hg19) VCF-style: chr13-32914791-A-G.
Other names: c.6299A>G, p.Gln2100Arg (NM_001406719.1, NM_001406720.1); short protein forms Q2100R.
Identifiers: ClinVar variation 2071857 (VCV002071857.7), dbSNP rs770539957, ClinGen allele CA6940942.